The following is an entry in ClinVar:

ClinVar aggregate classification (germline): Uncertain significance (1 of 4 stars; one submission).

Submission:

Labcorp Genetics (formerly Invitae), Labcorp
Classification: Uncertain significance. Last evaluated: 2025-03-23. Review status: criteria provided, single submitter. Criteria: Invitae Variant Classification Sherloc (09022015). Collection method: clinical testing. Allele origin: germline.
Comment: This sequence change replaces cysteine, which is neutral and slightly polar, with serine, which is neutral and polar, at codon 337 of the CFP protein (p.Cys337Ser). This variant is not present in population databases (gnomAD no frequency). This variant has not been reported in the literature in individuals affected with CFP-related conditions. Invitae Evidence Modeling of protein sequence and biophysical properties (such as structural, functional, and spatial information, amino acid conservation, physicochemical variation, residue mobility, and thermodynamic stability) indicates that this missense variant is expected to disrupt CFP protein function with a positive predictive value of 80%. In summary, the available evidence is currently insufficient to determine the role of this variant in disease. Therefore, it has been classified as a Variant of Uncertain Significance.

NM_001145252.3(CFP):c.1010G>C (p.Cys337Ser)

Gene: CFP (complement factor properdin; minus strand). Cytogenetic location: Xp11.23.
Variant type: single nucleotide variant.
Coding change: c.1010G>C on transcript NM_001145252.3 (MANE Select); coding-DNA position 1010, G replaced by C.
Protein change: p.Cys337Ser; replaces cysteine 337 with serine.
Molecular consequence: missense variant.
Genome position (GRCh38, 1-based): chrX:47,626,450, C>G on the plus strand (G>C on the coding strand, the complement: CFP is on the minus strand). VCF-style: chrX-47626450-C-G. GRCh37 (hg19) VCF-style: chrX-47485849-C-G.
Other names: c.1010G>C, p.Cys337Ser (NM_002621.2); short protein forms C337S.
Identifiers: ClinVar variation 4743018 (VCV004743018.1).